The following is an entry in ClinVar:

NM_001267550.2(TTN):c.62493dup (p.Thr20832fs)

Genes: TTN-AS1 (TTN antisense RNA 1; plus strand), TTN (titin; minus strand). Cytogenetic location: 2q31.2.
Variant type: Duplication.
Coding change: c.62493dup on transcript NM_001267550.2 (MANE Select); coding-DNA position 62493, one base duplicated (T; older notation c.62493dupT).
Protein change: p.Thr20832fs; shifts the reading frame from threonine 20832.
Molecular consequence: frameshift variant.
Genome position (GRCh38, 1-based): chr2:178,589,232, A duplicated on the plus strand (T on the coding strand, the reverse complement: TTN is on the minus strand); the first of 2 consecutive A bases (chr2:178,589,232-178,589,233); duplicating either gives the same sequence. VCF-style (leftmost placement, unchanged base first): chr2-178589231-T-TA. GRCh37 (hg19) VCF-style: chr2-179453958-T-TA.
Other names: c.57570dup, p.Thr19191fs (NM_001256850.1); c.35298dup, p.Thr11767fs (NM_003319.4); c.54789dup, p.Thr18264fs (NM_133378.4); c.35673dup, p.Thr11892fs (NM_133432.3); c.35874dup, p.Thr11959fs (NM_133437.4); short protein forms T11767fs, T20832fs, T11892fs, T18264fs, T19191fs, T11959fs.
Identifiers: ClinVar variation 2110931 (VCV002110931.4), dbSNP rs2469383470, ClinGen allele CA2580064634.

ClinVar aggregate classification (germline): Likely pathogenic (1 of 4 stars; one submission).

Conditions:
Dilated cardiomyopathy 1G (CMD1G). Identifiers: Orphanet 154, MedGen C1858763, MONDO:0011400, OMIM 604145.
Autosomal recessive limb-girdle muscular dystrophy type 2J (LGMDR10). Also called: Limb-girdle muscular dystrophy, type 2J; MUSCULAR DYSTROPHY, LIMB-GIRDLE, AUTOSOMAL RECESSIVE 10. Identifiers: Orphanet 140922, MedGen C1837342, MONDO:0012127, OMIM 608807.

Submission:

Labcorp Genetics (formerly Invitae), Labcorp
Classification: Likely pathogenic for Dilated cardiomyopathy 1G; Autosomal recessive limb-girdle muscular dystrophy type 2J. Last evaluated: 2022-03-13. Review status: criteria provided, single submitter. Criteria: Invitae Variant Classification Sherloc (09022015). Collection method: clinical testing. Allele origin: germline.
Comment: In summary, the currently available evidence indicates that the variant is pathogenic, but additional data are needed to prove that conclusively. Therefore, this variant has been classified as Likely Pathogenic. This variant is located in the A band of TTN (PMID: 25589632). Truncating variants in this region are significantly overrepresented in patients affected with dilated cardiomyopathy (PMID: 25589632). Truncating variants in this region have also been reported in individuals affected with autosomal recessive centronuclear myopathy (PMID: 23975875). This variant has not been reported in the literature in individuals affected with TTN-related conditions. This variant is not present in population databases (gnomAD no frequency). This sequence change creates a premature translational stop signal (p.Thr20832Tyrfs*2) in the TTN gene. While this is not anticipated to result in nonsense mediated decay, it is expected to create a truncated TTN protein.

Literature cited by the submitters: PubMed 25589632; PubMed 23975875.